The following is an entry in ClinVar:

NM_000350.3(ABCA4):c.4667+3A>G

Gene: ABCA4 (ATP binding cassette subfamily A member 4; minus strand). Cytogenetic location: 1p22.1.
Variant type: single nucleotide variant.
Coding change: c.4667+3A>G on transcript NM_000350.3 (MANE Select); 3 bases into the intron after coding-DNA position 4667, A replaced by G.
Molecular consequence: intron variant.
Genome position (GRCh38, 1-based): chr1:94,023,383, T>C on the plus strand (A>G on the coding strand, the complement: ABCA4 is on the minus strand). VCF-style: chr1-94023383-T-C. GRCh37 (hg19) VCF-style: chr1-94488939-T-C.
Identifiers: ClinVar variation 1039765 (VCV001039765.7), dbSNP rs1659953116, ClinGen allele CA1181410087.

ClinVar aggregate classification (germline): Uncertain significance (1 of 4 stars; one submission).

Submission:

Labcorp Genetics (formerly Invitae), Labcorp
Classification: Uncertain significance. Last evaluated: 2020-02-15. Review status: criteria provided, single submitter. Criteria: Invitae Variant Classification Sherloc (09022015). Collection method: clinical testing. Allele origin: germline.
Comment: This sequence change falls in intron 32 of the ABCA4 gene. It does not directly change the encoded amino acid sequence of the ABCA4 protein, but it affects a nucleotide within the consensus splice site of the intron. This variant is not present in population databases (ExAC no frequency). This variant has not been reported in the literature in individuals with ABCA4-related conditions. Nucleotide substitutions within the consensus splice site are a relatively common cause of aberrant splicing (PMID: 17576681, 9536098). Algorithms developed to predict the effect of sequence changes on RNA splicing suggest that this variant may disrupt the consensus splice site, but this prediction has not been confirmed by published transcriptional studies. In summary, the available evidence is currently insufficient to determine the role of this variant in disease. Therefore, it has been classified as a Variant of Uncertain Significance.

Literature cited by the submitters: PubMed 17576681; PubMed 9536098.